The following is an entry in ClinVar:

NM_001201543.2(FAM161A):c.916C>T (p.Arg306Trp)

Gene: FAM161A (FAM161 centrosomal protein A; minus strand). Cytogenetic location: 2p15.
Variant type: single nucleotide variant.
Coding change: c.916C>T on transcript NM_001201543.2 (MANE Select); coding-DNA position 916, C replaced by T.
Protein change: p.Arg306Trp; replaces arginine 306 with tryptophan.
Molecular consequence: missense variant. On other transcripts: non-coding transcript variant (1).
Genome position (GRCh38, 1-based): chr2:61,840,088, G>A on the plus strand (C>T on the coding strand, the complement: FAM161A is on the minus strand). VCF-style: chr2-61840088-G-A. GRCh37 (hg19) VCF-style: chr2-62067223-G-A.
Other names: c.916C>T, p.Arg306Trp (NM_032180.3); short protein forms R306W.
Identifiers: ClinVar variation 336740 (VCV000336740.12), dbSNP rs183615774, ClinGen allele CA1679250.

ClinVar aggregate classification (germline): Conflicting classifications of pathogenicity. Review status: criteria provided, conflicting classifications (1 of 4 stars). 7 submissions from 7 submitters: Uncertain significance (3); Likely benign (2). 2 of the submissions do not count toward it. Last evaluated 2024-11-13.

Conditions:
FAM161A-related disorder. Also called: FAM161A-related condition.
Retinitis pigmentosa 28 (RP28). Identifiers: Orphanet 791, MedGen C1419614, MONDO:0011630, OMIM 606068.
Retinal dystrophy. Also called: Inherited retinal dystrophy. Identifiers: HP:0000556, Orphanet 71862, MedGen C0854723, MeSH D058499, MONDO:0019118.
Retinitis pigmentosa (RP). Identifiers: Orphanet 791, MedGen C0035334, MeSH D012174, MONDO:0019200, OMIM 268000. Inheritance: Autosomal dominant, autosomal recessive and X linked inheritance.

Allele frequency attached by ClinVar (database versions not stated): gnomAD exomes 0.00008 and 0.00016; gnomAD 0.00009 and 0.00013; TOPMed 0.00015; ExAC 0.00019; 1000 Genomes Project 30x 0.00062; 1000 Genomes Project 0.00080.
gnomAD v4.1: 129 of 1,614,072 alleles (0.008%); highest among the groups gnomAD compares: East Asian, 0.17%; no homozygotes.

Submissions (7):

PreventionGenetics, part of Exact Sciences
Classification: Likely benign for FAM161A-related condition. Last evaluated: 2024-11-13. Review status: criteria provided, single submitter. Criteria: ACMG Guidelines, 2015. Collection method: clinical testing. Allele origin: germline.
Comment: This variant is classified as likely benign based on ACMG/AMP sequence variant interpretation guidelines (Richards et al. 2015 PMID: 25741868, with internal and published modifications).

Blueprint Genetics
Classification: Likely benign. Last evaluated: 2024-10-08. Review status: criteria provided, single submitter. Criteria: ACMG Guidelines, 2015. Collection method: clinical testing. Allele origin: germline.

Dept Of Ophthalmology, Nagoya University
Classification: Uncertain significance for Retinal dystrophy. Last evaluated: 2023-10-01. Review status: criteria provided, single submitter. Criteria: Submitter's publication. Collection method: research. Allele origin: germline. Affected: yes.

Labcorp Genetics (formerly Invitae), Labcorp
Classification: Uncertain significance. Last evaluated: 2021-09-09. Review status: criteria provided, single submitter. Criteria: Invitae Variant Classification Sherloc (09022015). Collection method: clinical testing. Allele origin: germline.
Comment: This sequence change replaces arginine with tryptophan at codon 306 of the FAM161A protein (p.Arg306Trp). The arginine residue is highly conserved and there is a moderate physicochemical difference between arginine and tryptophan. This variant is present in population databases (rs183615774, ExAC 0.2%). This missense change has been observed in individual(s) with FAM161A-related conditons (Invitae). ClinVar contains an entry for this variant (Variation ID: 336740). Algorithms developed to predict the effect of missense changes on protein structure and function are either unavailable or do not agree on the potential impact of this missense change (SIFT: "Deleterious"; PolyPhen-2: "Probably Damaging"; Align-GVGD: "Class C0"). In summary, the available evidence is currently insufficient to determine the role of this variant in disease. Therefore, it has been classified as a Variant of Uncertain Significance.

Illumina Laboratory Services, Illumina
Classification: Uncertain significance for Retinitis pigmentosa. Last evaluated: 2018-01-12. Review status: criteria provided, single submitter. Criteria: ICSL Variant Classification Criteria 13 December 2019. Collection method: clinical testing. Allele origin: germline.

Natera, Inc.
Classification: Uncertain significance for Retinitis pigmentosa type 28. Last evaluated: 2020-07-20. Review status: no assertion criteria provided. Collection method: clinical testing. Allele origin: germline. Not counted in ClinVar's aggregate classification.

Institute of Human Genetics, Univ. Regensburg, Univ. Regensburg
Classification: Uncertain significance for Retinal dystrophy. Last evaluated: 2018-01-01. Review status: no assertion criteria provided. Criteria: ACMG Guidelines, 2015. Collection method: clinical testing. Allele origin: germline. Affected: yes. Not counted in ClinVar's aggregate classification.